The following is an entry in ClinVar:

NM_000038.6(APC):c.3558T>C (p.Asp1186=)

Gene: APC (APC regulator of Wnt signaling pathway; plus strand). Cytogenetic location: 5q22.2.
Variant type: single nucleotide variant.
Coding change: c.3558T>C on transcript NM_000038.6 (MANE Select); coding-DNA position 3558, T replaced by C.
Protein change: p.Asp1186=; no amino-acid change (aspartic acid 1186 retained).
Molecular consequence: synonymous variant. On other transcripts: non-coding transcript variant (2).
Genome position (GRCh38, 1-based): chr5:112,839,152, T>C. VCF-style: chr5-112839152-T-C. GRCh37 (hg19) VCF-style: chr5-112174849-T-C.
Other names: c.3558T>C, p.Asp1186= (NM_001127510.3, NM_001354895.2, NM_001407450.1); c.3504T>C, p.Asp1168= (NM_001127511.3); c.3612T>C, p.Asp1204= (NM_001354896.2, NM_001407447.1, NM_001407448.1 and 1 more transcripts); c.3588T>C, p.Asp1196= (NM_001354897.2); c.3483T>C, p.Asp1161= (NM_001354898.2); c.3474T>C, p.Asp1158= (NM_001354899.2); c.3435T>C, p.Asp1145= (NM_001354900.2); c.3381T>C, p.Asp1127= (NM_001354901.2, NM_001407453.1); and 11 more.
Identifiers: ClinVar variation 3148174 (VCV003148174.1), dbSNP rs2149894309, ClinGen allele CA445963588.

ClinVar aggregate classification (germline): Benign (1 of 4 stars; one submission).

Conditions:
Familial adenomatous polyposis 1 (FAP1). Also called: POLYPOSIS, ADENOMATOUS INTESTINAL; FAMILIAL ADENOMATOUS POLYPOSIS 1, ATTENUATED. Identifiers: MedGen C2713442, MONDO:0021056, OMIM 175100. Disease mechanism: loss of function.

Submission:

Myriad Genetics, Inc.
Classification: Benign for Familial adenomatous polyposis 1. Last evaluated: 2024-03-21. Review status: criteria provided, single submitter. Criteria: Myriad Autosomal Dominant, Autosomal Recessive and X-Linked Classification Criteria (2023). Collection method: clinical testing. Allele origin: unknown.
Comment: This variant is considered benign. This variant is a silent/synonymous amino acid change and it is not expected to impact splicing.